The following is an entry in ClinVar:

NM_001166108.2(PALLD):c.1721T>C (p.Leu574Ser)

Gene: PALLD (palladin, cytoskeletal associated protein; plus strand). Cytogenetic location: 4q32.3.
Variant type: single nucleotide variant.
Coding change: c.1721T>C on transcript NM_001166108.2 (MANE Select); coding-DNA position 1721, T replaced by C.
Protein change: p.Leu574Ser; replaces leucine 574 with serine.
Molecular consequence: missense variant.
Genome position (GRCh38, 1-based): chr4:168,711,680, T>C. VCF-style: chr4-168711680-T-C. GRCh37 (hg19) VCF-style: chr4-169632831-T-C.
Other names: c.575T>C, p.Leu192Ser (NM_001166109.2); c.1721T>C, p.Leu574Ser (NM_016081.4); short protein forms L192S, L574S.
Identifiers: ClinVar variation 2448444 (VCV002448444.2), dbSNP rs2531855346, ClinGen allele CA358798069.

ClinVar aggregate classification (germline): Uncertain significance (1 of 4 stars; one submission).

Allele frequency attached by ClinVar (database versions not stated): gnomAD exomes below 0.00001.
gnomAD v4.1: 1 of 1,614,066 alleles (0.000062%); highest among the groups gnomAD compares: Non-Finnish European, 0.000085%; no homozygotes.

Submission:

Ambry Genetics
Classification: Uncertain significance. Last evaluated: 2022-11-06. Review status: criteria provided, single submitter. Criteria: Ambry Variant Classification Scheme 2023. Collection method: clinical testing. Allele origin: germline.
Comment: The p.L574S variant (also known as c.1721T>C), located in coding exon 9 of the PALLD gene, results from a T to C substitution at nucleotide position 1721. The leucine at codon 574 is replaced by serine, an amino acid with dissimilar properties. This amino acid position is conserved. In addition, this alteration is predicted to be tolerated by in silico analysis. Since supporting evidence is limited at this time, the clinical significance of this alteration remains unclear.